The following is an entry in ClinVar:

NM_000260.4(MYO7A):c.5886_5889del (p.Phe1962fs)

Gene: MYO7A (myosin VIIA; plus strand). Cytogenetic location: 11q13.5.
Variant type: Deletion.
Coding change: c.5886_5889del on transcript NM_000260.4 (MANE Select); coding-DNA positions 5886 to 5889, 4 bases deleted (CTTT; older notation c.5886_5889delCTTT).
Protein change: p.Phe1962fs; shifts the reading frame from phenylalanine 1962.
Molecular consequence: frameshift variant.
Genome position (GRCh38, 1-based): chr11:77,208,459-77,208,462, CTTT deleted; deleting any 4 consecutive bases within chr11:77,208,457-77,208,462 gives the same sequence; the c. name uses the placement nearest the transcript's 3' end. VCF-style (leftmost placement, unchanged base first): chr11-77208456-CTTCT-C. GRCh37 (hg19) VCF-style: chr11-76919501-CTTCT-C.
Other names: c.5886_5889del (NM_000260.3); c.5739_5742del, p.Phe1913fs (NM_001369365.1); c.5886_5889delCTTT (NM_000260.3); c.5772_5775del, p.Phe1924fs (NM_001127180.2); short protein forms F1913fs, F1924fs, F1962fs.
Identifiers: ClinVar variation 553558 (VCV000553558.8), dbSNP rs1397834886, ClinGen allele CA600710876.

ClinVar aggregate classification (germline): Pathogenic. Review status: criteria provided, multiple submitters, no conflicts (2 of 4 stars). 3 submissions from 3 submitters: Pathogenic (2). 1 of the submissions does not count toward it. Last evaluated 2023-08-17.

Conditions:
Autosomal recessive nonsyndromic hearing loss 2. Also called: DEAFNESS, AUTOSOMAL RECESSIVE 2; NEUROSENSORY NONSYNDROMIC RECESSIVE DEAFNESS 2. Identifiers: Orphanet 90636, MedGen C1838701, MONDO:0010807, OMIM 600060.
Usher syndrome type 1 (USH1). Also called: RETINITIS PIGMENTOSA AND CONGENITAL DEAFNESS. Identifiers: Orphanet 231169, Orphanet 886, MedGen C1568247, MONDO:0010168, OMIM 276900.

Submissions (3):

Labcorp Genetics (formerly Invitae), Labcorp
Classification: Pathogenic. Last evaluated: 2023-08-17. Review status: criteria provided, single submitter. Criteria: Invitae Variant Classification Sherloc (09022015). Collection method: clinical testing. Allele origin: germline.
Comment: For these reasons, this variant has been classified as Pathogenic. This sequence change creates a premature translational stop signal (p.Phe1962Leufs*7) in the MYO7A gene. It is expected to result in an absent or disrupted protein product. Loss-of-function variants in MYO7A are known to be pathogenic (PMID: 8900236, 25404053). This variant is present in population databases (no rsID available, gnomAD 0.0009%). This premature translational stop signal has been observed in individual(s) with autosomal recessive Usher syndrome (PMID: 16400615, 16679490, 21436283, 25404053, 33576163). In at least one individual the data is consistent with being in trans (on the opposite chromosome) from a pathogenic variant. ClinVar contains an entry for this variant (Variation ID: 553558).

GeneDx
Classification: Pathogenic. Last evaluated: 2022-11-08. Review status: criteria provided, single submitter. Criteria: GeneDx Variant Classification Process June 2021. Collection method: clinical testing. Allele origin: germline. Affected: yes.
Comment: Frameshift variant predicted to result in protein truncation or nonsense mediated decay in a gene for which loss of function is a known mechanism of disease; Not observed at significant frequency in large population cohorts (gnomAD); Observed with a second MYO7A variant in an individual with Usher syndrome; however segregation information was not reported (Gerber et al., 2006); This variant is associated with the following publications: (PMID: 31589614, 33576163, 16400615)

Counsyl
Classification: Pathogenic for Usher syndrome type 1; Autosomal recessive nonsyndromic hearing loss 2. Last evaluated: 2017-08-29. Review status: no assertion criteria provided. Collection method: clinical testing. Allele origin: unknown. Not counted in ClinVar's aggregate classification.

Literature cited by the submitters: PubMed 8900236 (cited by Labcorp Genetics (formerly Invitae), Labcorp); PubMed 25404053 (cited by Labcorp Genetics (formerly Invitae), Labcorp); PubMed 16400615 (cited by Labcorp Genetics (formerly Invitae), Labcorp and Counsyl); PubMed 16679490 (cited by Labcorp Genetics (formerly Invitae), Labcorp); PubMed 21436283 (cited by Labcorp Genetics (formerly Invitae), Labcorp); PubMed 33576163 (cited by Labcorp Genetics (formerly Invitae), Labcorp).